The following is an entry in ClinVar:

NM_000051.4(ATM):c.6403C>G (p.Leu2135Val)

Genes: ATM (ATM serine/threonine kinase; plus strand), C11orf65 (chromosome 11 open reading frame 65; minus strand). Cytogenetic location: 11q22.3.
Variant type: single nucleotide variant.
Coding change: c.6403C>G on transcript NM_000051.4 (MANE Select); coding-DNA position 6403, C replaced by G.
Protein change: p.Leu2135Val; replaces leucine 2135 with valine.
Molecular consequence: missense variant. On other transcripts: intron variant (2).
Genome position (GRCh38, 1-based): chr11:108,320,009, C>G. VCF-style: chr11-108320009-C-G. GRCh37 (hg19) VCF-style: chr11-108190736-C-G.
Other names: c.6403C>G, p.Leu2135Val (NM_001351834.2); c.641-10938G>C (NM_001330368.2); c.*39-10938G>C (NM_001351110.2); short protein forms L2135V.
Identifiers: ClinVar variation 936807 (VCV000936807.12), dbSNP rs2085083391, ClinGen allele CA382553389.

ClinVar aggregate classification (germline): Uncertain significance. Review status: criteria provided, multiple submitters, no conflicts (2 of 4 stars). 2 submissions from 2 submitters: Uncertain significance (2). Last evaluated 2025-11-05.

Conditions:
Hereditary cancer-predisposing syndrome. Also called: Tumor predisposition; Neoplastic Syndromes, Hereditary; Hereditary neoplastic syndrome; Hereditary Cancer Syndrome. Identifiers: Orphanet 140162, MedGen C0027672, MeSH D009386, MONDO:0015356.
Ataxia-telangiectasia syndrome (AT). Also called: Ataxia-telangiectasia, complementation group D; AT, COMPLEMENTATION GROUP C; ATAXIA-TELANGIECTASIA, COMPLEMENTATION GROUP A; ATAXIA-TELANGIECTASIA, FRESNO VARIANT; Ataxia-telangiectasia; Ataxia telangiectasia (A-T). Identifiers: Orphanet 100, MedGen C0004135, MONDO:0008840, OMIM 208900.

Submissions (2):

Labcorp Genetics (formerly Invitae), Labcorp
Classification: Uncertain significance for Ataxia-telangiectasia syndrome. Last evaluated: 2025-11-05. Review status: criteria provided, single submitter. Criteria: Invitae Variant Classification Sherloc (09022015). Collection method: clinical testing. Allele origin: germline.
Comment: This sequence change replaces leucine, which is neutral and non-polar, with valine, which is neutral and non-polar, at codon 2135 of the ATM protein (p.Leu2135Val). This variant is not present in population databases (gnomAD no frequency). This variant has not been reported in the literature in individuals affected with ATM-related conditions. ClinVar contains an entry for this variant (Variation ID: 936807). Invitae Evidence Modeling of protein sequence and biophysical properties (such as structural, functional, and spatial information, amino acid conservation, physicochemical variation, residue mobility, and thermodynamic stability) indicates that this missense variant is not expected to disrupt ATM protein function with a negative predictive value of 95%. In summary, the available evidence is currently insufficient to determine the role of this variant in disease. Therefore, it has been classified as a Variant of Uncertain Significance.

Ambry Genetics
Classification: Uncertain significance for Hereditary cancer-predisposing syndrome. Last evaluated: 2020-09-30. Review status: criteria provided, single submitter. Criteria: Ambry Variant Classification Scheme 2023. Collection method: clinical testing. Allele origin: germline.
Comment: The p.L2135V variant (also known as c.6403C>G), located in coding exon 43 of the ATM gene, results from a C to G substitution at nucleotide position 6403. The leucine at codon 2135 is replaced by valine, an amino acid with highly similar properties. This amino acid position is highly conserved in available vertebrate species. In addition, this alteration is predicted to be deleterious by in silico analysis. Since supporting evidence is limited at this time, the clinical significance of this alteration remains unclear.